The following is an entry in ClinVar:

NM_000264.5(PTCH1):c.3661T>A (p.Ser1221Thr)

Gene: PTCH1 (patched 1; minus strand). Cytogenetic location: 9q22.32.
Variant type: single nucleotide variant.
Coding change: c.3661T>A on transcript NM_000264.5 (MANE Select); coding-DNA position 3661, T replaced by A.
Protein change: p.Ser1221Thr; replaces serine 1221 with threonine.
Molecular consequence: missense variant. On other transcripts: non-coding transcript variant (1).
Genome position (GRCh38, 1-based): chr9:95,449,212, A>T on the plus strand (T>A on the coding strand, the complement: PTCH1 is on the minus strand). VCF-style: chr9-95449212-A-T. GRCh37 (hg19) VCF-style: chr9-98211494-A-T.
Other names: c.3463T>A, p.Ser1155Thr (NM_001083602.3); c.3658T>A, p.Ser1220Thr (NM_001083603.3); c.3208T>A, p.Ser1070Thr (NM_001083604.3, NM_001083605.3, NM_001083606.3 and 1 more transcripts); c.3505T>A, p.Ser1169Thr (NM_001354918.2); short protein forms S1155T, S1070T, S1220T, S1169T, S1221T.
Identifiers: ClinVar variation 2089169 (VCV002089169.4), dbSNP rs2136600179, ClinGen allele CA374111200.

ClinVar aggregate classification (germline): Uncertain significance (1 of 4 stars; one submission).

Conditions:
Gorlin syndrome. Also called: Basal cell nevus syndrome; Nevoid Basal Cell Carcinoma Syndrome. Identifiers: Orphanet 377, MedGen C0004779, MONDO:0007187.

Submission:

Labcorp Genetics (formerly Invitae), Labcorp
Classification: Uncertain significance for Gorlin syndrome. Last evaluated: 2022-01-23. Review status: criteria provided, single submitter. Criteria: Invitae Variant Classification Sherloc (09022015). Collection method: clinical testing. Allele origin: germline.
Comment: In summary, the available evidence is currently insufficient to determine the role of this variant in disease. Therefore, it has been classified as a Variant of Uncertain Significance. Advanced modeling of protein sequence and biophysical properties (such as structural, functional, and spatial information, amino acid conservation, physicochemical variation, residue mobility, and thermodynamic stability) performed at Invitae indicates that this missense variant is not expected to disrupt PTCH1 protein function. This variant has not been reported in the literature in individuals affected with PTCH1-related conditions. This variant is not present in population databases (gnomAD no frequency). This sequence change replaces serine, which is neutral and polar, with threonine, which is neutral and polar, at codon 1221 of the PTCH1 protein (p.Ser1221Thr).